The following is an entry in ClinVar:

ClinVar aggregate classification (germline): Benign. Review status: criteria provided, multiple submitters, no conflicts (2 of 4 stars). 2 submissions from 2 submitters: Benign (2). Last evaluated 2018-01-13.

Conditions:
Leukocyte adhesion deficiency type II. Also called: CONGENITAL DISORDER OF GLYCOSYLATION, TYPE IIc; CDG IIc; Congenital disorder of glycosylation type 2C; CDG 2C; Leukocyte adhesion deficiency type 2; Rambam Hasharon syndrome. Identifiers: Orphanet 2968, Orphanet 99843, MedGen C0398739, MONDO:0009953, OMIM 266265.

Allele frequency attached by ClinVar (database versions not stated): 1000 Genomes Project 0.65375; 1000 Genomes Project 30x 0.66177; ExAC 0.77429; TOPMed 0.77632; gnomAD 0.78407 and 0.79007; gnomAD exomes 0.79713 and 0.82727.
gnomAD v4.1: 370,538 of 455,684 alleles (81%); highest among the groups gnomAD compares: Non-Finnish European, 89%; 154,342 homozygotes.

Submissions (2):

Illumina Laboratory Services, Illumina
Classification: Benign for Leukocyte adhesion deficiency type II. Last evaluated: 2018-01-13. Review status: criteria provided, single submitter. Criteria: ICSL Variant Classification Criteria 13 December 2019. Collection method: clinical testing. Allele origin: germline.
Comment: This variant was observed in the ICSL laboratory as part of a predisposition screen in an ostensibly healthy population. It had not been previously curated by ICSL or reported in the Human Gene Mutation Database (HGMD: prior to June 1st, 2018), and was therefore a candidate for classification through an automated scoring system. Utilizing variant allele frequency, disease prevalence and penetrance estimates, and inheritance mode, an automated score was calculated to assess if this variant is too frequent to cause the disease. Based on the score and internal cut-off values, a variant classified as benign is not then subjected to further curation. The score for this variant resulted in a classification of benign for this disease.

Breakthrough Genomics
Classification: Benign. Review status: criteria provided, single submitter. Criteria: ACMG Guidelines, 2015. Collection method: not provided. Allele origin: germline. Inheritance: Autosomal recessive inheritance. Affected: yes.

NM_018389.5(SLC35C1):c.*1312T>C

Gene: SLC35C1 (solute carrier family 35 member C1; plus strand). Cytogenetic location: 11p11.2.
Variant type: single nucleotide variant.
Coding change: c.*1312T>C on transcript NM_018389.5 (MANE Select); 1312 bases downstream of the stop codon, T replaced by C.
Molecular consequence: 3 prime UTR variant.
Genome position (GRCh38, 1-based): chr11:45,812,647, T>C. VCF-style: chr11-45812647-T-C. GRCh37 (hg19) VCF-style: chr11-45834198-T-C.
Other names: c.*1312T>C (NM_001145265.2, NM_001145266.2).
Identifiers: ClinVar variation 304759 (VCV000304759.6), dbSNP rs7943306, ClinGen allele CA5958412.